The following is an entry in ClinVar:

ClinVar aggregate classification (germline): Uncertain significance (1 of 4 stars; one submission).

Conditions:
TNF receptor-associated periodic fever syndrome (TRAPS) (FPF). Also called: FAMILIAL HIBERNIAN FEVER; TNF RECEPTOR-ASSOCIATED PERIODIC SYNDROME; TUMOR NECROSIS FACTOR RECEPTOR-ASSOCIATED PERIODIC SYNDROME; Autosomal Dominant Familial Periodic Fever; TNF Receptor-Associated Periodic Fever Syndrome; TNF receptor 1-associated periodic fever syndrome. Identifiers: Orphanet 32960, MedGen C1275126, MONDO:0007727, OMIM 142680.

gnomAD v4.1: 3 of 1,585,306 alleles (0.00019%); highest among the groups gnomAD compares: African/African-American, 0.004%; no homozygotes.

Submission:

Labcorp Genetics (formerly Invitae), Labcorp
Classification: Uncertain significance for TNF receptor-associated periodic fever syndrome (TRAPS). Last evaluated: 2024-09-29. Review status: criteria provided, single submitter. Criteria: Invitae Variant Classification Sherloc (09022015). Collection method: clinical testing. Allele origin: germline.
Comment: This sequence change replaces proline, which is neutral and non-polar, with leucine, which is neutral and non-polar, at codon 316 of the TNFRSF1A protein (p.Pro316Leu). This variant is not present in population databases (gnomAD no frequency). This variant has not been reported in the literature in individuals affected with TNFRSF1A-related conditions. Invitae Evidence Modeling of protein sequence and biophysical properties (such as structural, functional, and spatial information, amino acid conservation, physicochemical variation, residue mobility, and thermodynamic stability) has been performed for this missense variant. However, the output from this modeling did not meet the statistical confidence thresholds required to predict the impact of this variant on TNFRSF1A protein function. In summary, the available evidence is currently insufficient to determine the role of this variant in disease. Therefore, it has been classified as a Variant of Uncertain Significance.

NM_001065.4(TNFRSF1A):c.947C>T (p.Pro316Leu)

Gene: TNFRSF1A (TNF receptor superfamily member 1A; minus strand). Cytogenetic location: 12p13.31.
Variant type: single nucleotide variant.
Coding change: c.947C>T on transcript NM_001065.4 (MANE Select); coding-DNA position 947, C replaced by T.
Protein change: p.Pro316Leu; replaces proline 316 with leucine.
Molecular consequence: missense variant. On other transcripts: non-coding transcript variant (1).
Genome position (GRCh38, 1-based): chr12:6,329,888, G>A on the plus strand (C>T on the coding strand, the complement: TNFRSF1A is on the minus strand). VCF-style: chr12-6329888-G-A. GRCh37 (hg19) VCF-style: chr12-6439054-G-A.
Other names: c.623C>T, p.Pro208Leu (NM_001346091.2); c.488C>T, p.Pro163Leu (NM_001346092.2); short protein forms P316L, P208L, P163L.
Identifiers: ClinVar variation 3692294 (VCV003692294.2).
Genomic context (GRCh38, chr12:6,329,888, plus strand): 5'-TTGGGGATGGGGTCGGAGGCGAGGGCTGTCGCAAGGATGGGGTCAGCCCCCTGATAGGGT[G>A]GTGCCACCTCTCTGCGGGGAGCCGCAAAGTTGGGACAGTCACCGGGGGTATAGGTGGAGC-3'
Protein context (NP_001056.1, residues 306-326): NFAAPRREVA[Pro316Leu]PYQGADPILA